The following is an entry in ClinVar:

ClinVar aggregate classification (germline): Uncertain significance (1 of 4 stars; one submission).

Submission:

Athena Diagnostics
Classification: Uncertain significance. Last evaluated: 2024-05-28. Review status: criteria provided, single submitter. Criteria: Athena Diagnostics Criteria. Collection method: clinical testing. Allele origin: unknown.
Comment: Available data are insufficient to determine the clinical significance of the variant at this time. This variant has not been reported in large, multi-ethnic general populations. Polyphen and MutationTaster predict this amino acid change may be damaging to the protein.

NM_001378452.1(ITPR1):c.707G>A (p.Gly236Glu)

Gene: ITPR1 (inositol 1,4,5-trisphosphate receptor type 1; plus strand). Cytogenetic location: 3p26.1.
Variant type: single nucleotide variant.
Coding change: c.707G>A on transcript NM_001378452.1 (MANE Select); coding-DNA position 707, G replaced by A.
Protein change: p.Gly236Glu; replaces glycine 236 with glutamic acid.
Molecular consequence: missense variant.
Genome position (GRCh38, 1-based): chr3:4,645,469, G>A. VCF-style: chr3-4645469-G-A. GRCh37 (hg19) VCF-style: chr3-4687153-G-A.
Other names: c.707G>A, p.Gly236Glu (NM_001099952.4, NM_001168272.2, NM_002222.7); short protein forms G236E.
Identifiers: ClinVar variation 3571702 (VCV003571702.1).